The following is an entry in ClinVar:

ClinVar aggregate classification (germline): Conflicting classifications of pathogenicity. Review status: criteria provided, conflicting classifications (1 of 4 stars). 3 submissions from 3 submitters: Uncertain significance (1); Likely benign (1). 1 of the submissions does not count toward it. Last evaluated 2025-09-24.

Conditions:
TRIM32-related disorder. Also called: TRIM32-related condition.
Bardet-Biedl syndrome (BBS). Identifiers: Orphanet 110, MedGen C0752166, MONDO:0015229.

Allele frequency attached by ClinVar (database versions not stated): gnomAD exomes 0.00002; TOPMed 0.00002; ESP Exome Variant Server 0.00015; ExAC 0.00001; gnomAD 0.00002.
gnomAD v4.1: 31 of 1,614,078 alleles (0.0019%); highest among the groups gnomAD compares: Non-Finnish European, 0.0026%; no homozygotes.

Submissions (3):

Labcorp Genetics (formerly Invitae), Labcorp
Classification: Likely benign for Bardet-Biedl syndrome. Last evaluated: 2025-09-24. Review status: criteria provided, single submitter. Criteria: Invitae Variant Classification Sherloc (09022015). Collection method: clinical testing. Allele origin: germline.

Eurofins Ntd Llc (ga)
Classification: Uncertain significance. Last evaluated: 2015-11-30. Review status: criteria provided, single submitter. Criteria: EGL Classification Definitions 2015. Collection method: clinical testing. Allele origin: germline. Observed: 1 variant allele, 1 heterozygote.

PreventionGenetics, part of Exact Sciences
Classification: Likely benign for TRIM32-related condition. Last evaluated: 2023-01-11. Review status: no assertion criteria provided. Collection method: clinical testing. Allele origin: germline. Not counted in ClinVar's aggregate classification.
Comment: This variant is classified as likely benign based on ACMG/AMP sequence variant interpretation guidelines (Richards et al. 2015 PMID: 25741868, with internal and published modifications).

NM_012210.4(TRIM32):c.1140C>T (p.Thr380=)

Genes: ASTN2 (astrotactin 2; minus strand), TRIM32 (tripartite motif containing 32; plus strand). Cytogenetic location: 9q33.1.
Variant type: single nucleotide variant.
Coding change: c.1140C>T on transcript NM_012210.4 (MANE Select); coding-DNA position 1140, C replaced by T.
Protein change: p.Thr380=; no amino-acid change (threonine 380 retained).
Molecular consequence: synonymous variant. On other transcripts: intron variant (3).
Genome position (GRCh38, 1-based): chr9:116,698,882, C>T. VCF-style: chr9-116698882-C-T. GRCh37 (hg19) VCF-style: chr9-119461161-C-T.
Other names: c.1140C>T, p.Thr380= (NM_001099679.2, NM_001379048.1, NM_001379049.1 and 1 more transcripts); c.2653+26889G>A (NM_014010.5); c.2794+26889G>A (NM_001365069.1); c.2806+26889G>A (NM_001365068.1).
Identifiers: ClinVar variation 285076 (VCV000285076.16), dbSNP rs142715198, ClinGen allele CA5211108.